The following is an entry in ClinVar:

ClinVar aggregate classification (germline): Pathogenic/Likely pathogenic. Review status: criteria provided, multiple submitters, no conflicts (2 of 4 stars). 2 submissions from 2 submitters: Pathogenic (1); Likely pathogenic (1). Last evaluated 2023-12-22.

Conditions:
Bardet-Biedl syndrome (BBS). Identifiers: Orphanet 110, MedGen C0752166, MONDO:0015229.
Bardet-Biedl syndrome 12 (BBS12). Identifiers: Orphanet 110, MedGen C1859570, MONDO:0014440, OMIM 615989.

Submissions (2):

Fulgent Genetics
Classification: Likely pathogenic for Bardet-Biedl syndrome 12. Last evaluated: 2023-12-22. Review status: criteria provided, single submitter. Criteria: ACMG Guidelines, 2015. Collection method: clinical testing. Allele origin: germline.

Labcorp Genetics (formerly Invitae), Labcorp
Classification: Pathogenic for Bardet-Biedl syndrome. Last evaluated: 2023-05-27. Review status: criteria provided, single submitter. Criteria: Invitae Variant Classification Sherloc (09022015). Collection method: clinical testing. Allele origin: germline.
Comment: For these reasons, this variant has been classified as Pathogenic. This variant disrupts a region of the BBS12 protein in which other variant(s) (p.Ser701*) have been determined to be pathogenic (PMID: 20648243). This suggests that this is a clinically significant region of the protein, and that variants that disrupt it are likely to be disease-causing. This variant has not been reported in the literature in individuals affected with BBS12-related conditions. This variant is not present in population databases (gnomAD no frequency). This sequence change creates a premature translational stop signal (p.Gly539Valfs*20) in the BBS12 gene. While this is not anticipated to result in nonsense mediated decay, it is expected to disrupt the last 172 amino acid(s) of the BBS12 protein.

Literature cited by the submitters: PubMed 20648243 (cited by Labcorp Genetics (formerly Invitae), Labcorp).

NM_152618.3(BBS12):c.1616del (p.Gly539fs)

Gene: BBS12 (Bardet-Biedl syndrome 12; plus strand). Cytogenetic location: 4q27.
Variant type: Deletion.
Coding change: c.1616del on transcript NM_152618.3 (MANE Select); coding-DNA position 1616, one base deleted (G; older notation c.1616delG).
Protein change: p.Gly539fs; shifts the reading frame from glycine 539.
Molecular consequence: frameshift variant.
Genome position (GRCh38, 1-based): chr4:122,743,508, G deleted; the last of 2 consecutive G bases (chr4:122,743,507-122,743,508); deleting either gives the same sequence. VCF-style (leftmost placement, unchanged base first): chr4-122743506-AG-A. GRCh37 (hg19) VCF-style: chr4-123664661-AG-A.
Other names: c.1616del, p.Gly539fs (NM_001178007.2); short protein forms G539fs.
Identifiers: ClinVar variation 2734653 (VCV002734653.4), dbSNP rs1800928352, ClinGen allele CA1067486384.